The following is an entry in ClinVar:

NM_001040108.2(MLH3):c.360T>C (p.Phe120=)

Gene: MLH3 (mutL homolog 3; minus strand). Cytogenetic location: 14q24.3.
Variant type: single nucleotide variant.
Coding change: c.360T>C on transcript NM_001040108.2 (MANE Select); coding-DNA position 360, T replaced by C.
Protein change: p.Phe120=; no amino-acid change (phenylalanine 120 retained).
Molecular consequence: synonymous variant.
Genome position (GRCh38, 1-based): chr14:75,049,296, A>G on the plus strand (T>C on the coding strand, the complement: MLH3 is on the minus strand). VCF-style: chr14-75049296-A-G. GRCh37 (hg19) VCF-style: chr14-75515999-A-G.
Other names: c.360T>C, p.Phe120= (NM_014381.3).
Identifiers: ClinVar variation 1733222 (VCV001733222.4), dbSNP rs1892500587, ClinGen allele CA487274689.

ClinVar aggregate classification (germline): Benign/Likely benign. Review status: criteria provided, multiple submitters, no conflicts (2 of 4 stars). 3 submissions from 3 submitters: Benign (1); Likely benign (2). Last evaluated 2026-04-28.

Conditions:
Colorectal cancer, hereditary nonpolyposis, type 7. Identifiers: Orphanet 144, MedGen C1858380, MONDO:0013725, OMIM 614385.

Allele frequency attached by ClinVar (database versions not stated): gnomAD exomes below 0.00001; TOPMed below 0.00001.
gnomAD v4.1: 1 of 1,614,228 alleles (0.000062%); highest among the groups gnomAD compares: Non-Finnish European, 0.000085%; no homozygotes.

Submissions (3):

Myriad Genetics, Inc.
Classification: Benign for Colorectal cancer, hereditary nonpolyposis, type 7. Last evaluated: 2026-04-28. Review status: criteria provided, single submitter. Criteria: Myriad Autosomal Dominant, Autosomal Recessive and X-Linked Classification Criteria (2023). Collection method: clinical testing. Allele origin: unknown.
Comment: This variant is considered benign. This variant is a silent/synonymous amino acid change and it is not expected to impact splicing.

Center for Genomic Medicine, Rigshospitalet, Copenhagen University Hospital
Classification: Likely benign. Last evaluated: 2025-12-29. Review status: criteria provided, single submitter. Criteria: ACMG Guidelines, 2015. Collection method: clinical testing. Allele origin: germline.

Ambry Genetics
Classification: Likely benign. Last evaluated: 2021-04-14. Review status: criteria provided, single submitter. Criteria: Ambry Variant Classification Scheme 2023. Collection method: clinical testing. Allele origin: germline.